The following is an entry in ClinVar:

ClinVar aggregate classification (germline): Likely pathogenic. Review status: criteria provided, multiple submitters, no conflicts (2 of 4 stars). 2 submissions from 2 submitters: Likely pathogenic (2). Last evaluated 2021-09-07.

Conditions:
Hereditary cancer-predisposing syndrome. Also called: Hereditary Cancer Syndrome; Tumor predisposition; Neoplastic Syndromes, Hereditary; Hereditary neoplastic syndrome. Identifiers: Orphanet 140162, MedGen C0027672, MeSH D009386, MONDO:0015356.
Pheochromocytoma. Also called: MAX-Related Hereditary Paraganglioma-Pheochromocytoma Syndrome. Identifiers: Orphanet 29072, MedGen C0031511, MONDO:0008233, OMIM 171300, HP:0002666.
Pheochromocytoma/paraganglioma syndrome 4. Also called: PARAGANGLIOMA, FAMILIAL MALIGNANT; PARAGANGLIOMAS, HEREDITARY EXTRAADRENAL; PHEOCHROMOCYTOMA, FAMILIAL EXTRAADRENAL; SDHB-Related Hereditary Paraganglioma-Pheochromocytoma Syndrome (Paragangliomas 4); CAROTID BODY TUMORS AND MULTIPLE EXTRAADRENAL PHEOCHROMOCYTOMAS; SDHB-Related Hereditary Paraganglioma-Pheochromocytoma Syndrome. Identifiers: Orphanet 29072, MedGen C1861848, MONDO:0007273, OMIM 115310.
Gastrointestinal stromal tumor. Also called: Gastrointestinal stromal tumor, somatic; Gastrointestinal stroma tumor. Identifiers: Orphanet 44890, MedGen C0238198, MeSH D046152, MONDO:0011719, OMIM 606764, HP:0100723.

Submissions (2):

Labcorp Genetics (formerly Invitae), Labcorp
Classification: Likely pathogenic for Gastrointestinal stromal tumor; Pheochromocytoma/paraganglioma syndrome 4; Pheochromocytoma. Last evaluated: 2021-09-07. Review status: criteria provided, single submitter. Criteria: Invitae Variant Classification Sherloc (09022015). Collection method: clinical testing. Allele origin: germline.
Comment: In summary, the currently available evidence indicates that the variant is pathogenic, but additional data are needed to prove that conclusively. Therefore, this variant has been classified as Likely Pathogenic. Algorithms developed to predict the effect of sequence changes on RNA splicing suggest that this variant may disrupt the consensus splice site. ClinVar contains an entry for this variant (Variation ID: 573947). Disruption of this splice site has been observed in individual(s) with paraganglioma or head and neck paraganglioma (PMID: 31492822; Invitae). This variant is not present in population databases (ExAC no frequency). This sequence change affects an acceptor splice site in intron 1 of the SDHB gene. It is expected to disrupt RNA splicing. Variants that disrupt the donor or acceptor splice site typically lead to a loss of protein function (PMID: 16199547), and loss-of-function variants in SDHB are known to be pathogenic (PMID: 19454582, 19802898).

Ambry Genetics
Classification: Likely pathogenic for Hereditary cancer-predisposing syndrome. Last evaluated: 2019-03-26. Review status: criteria provided, single submitter. Criteria: Ambry Variant Classification Scheme 2023. Collection method: clinical testing. Allele origin: germline.
Comment: The c.73-1G>T intronic variant results from a G to T substitution one nucleotide upstream from coding exon 2 of the SDHB gene. This nucleotide position is highly conserved in available vertebrate species. Using the BDGP and ESEfinder splice site prediction tools, this alteration is predicted to abolish the native splice acceptor site; however, direct evidence is unavailable. Alterations that disrupt the canonical splice site are expected to cause aberrant splicing, resulting in an abnormal protein or a transcript that is subject to nonsense-mediated mRNA decay. As such, this alteration is classified as likely pathogenic.

Literature cited by the submitters: PubMed 31492822 (cited by Labcorp Genetics (formerly Invitae), Labcorp); PubMed 16199547 (cited by Labcorp Genetics (formerly Invitae), Labcorp); PubMed 19454582 (cited by Labcorp Genetics (formerly Invitae), Labcorp); PubMed 19802898 (cited by Labcorp Genetics (formerly Invitae), Labcorp).

NM_003000.3(SDHB):c.73-1G>T

Gene: SDHB (succinate dehydrogenase complex iron sulfur subunit B; minus strand). Cytogenetic location: 1p36.13.
Variant type: single nucleotide variant.
Coding change: c.73-1G>T on transcript NM_003000.3 (MANE Select); the canonical splice acceptor site of the intron before coding-DNA position 73, G replaced by T.
Molecular consequence: splice acceptor variant.
Genome position (GRCh38, 1-based): chr1:17,044,889, C>A on the plus strand (G>T on the coding strand, the complement: SDHB is on the minus strand). VCF-style: chr1-17044889-C-A. GRCh37 (hg19) VCF-style: chr1-17371384-C-A.
Other names: c.73-1G>T (NM_001407361.1).
Identifiers: ClinVar variation 573947 (VCV000573947.10), dbSNP rs1131691055, ClinGen allele CA338228454.